The following is an entry in ClinVar:

ClinVar aggregate classification (germline): Uncertain significance (1 of 4 stars; one submission).

Submission:

Labcorp Genetics (formerly Invitae), Labcorp
Classification: Uncertain significance. Last evaluated: 2024-09-27. Review status: criteria provided, single submitter. Criteria: Invitae Variant Classification Sherloc (09022015). Collection method: clinical testing. Allele origin: germline.
Comment: This sequence change replaces aspartic acid, which is acidic and polar, with asparagine, which is neutral and polar, at codon 1688 of the TAF1 protein (p.Asp1688Asn). This variant is not present in population databases (gnomAD no frequency). This variant has not been reported in the literature in individuals affected with TAF1-related conditions. An algorithm developed to predict the effect of missense changes on protein structure and function (PolyPhen-2) suggests that this variant is likely to be tolerated. In summary, the available evidence is currently insufficient to determine the role of this variant in disease. Therefore, it has been classified as a Variant of Uncertain Significance.

NM_004606.5(TAF1):c.5002G>A (p.Asp1668Asn)

Gene: TAF1 (TATA-box binding protein associated factor 1; plus strand). Cytogenetic location: Xq13.1.
Variant type: single nucleotide variant.
Coding change: c.5002G>A on transcript NM_004606.5 (MANE Select); coding-DNA position 5002, G replaced by A.
Protein change: p.Asp1668Asn; replaces aspartic acid 1668 with asparagine.
Molecular consequence: missense variant. On other transcripts: non-coding transcript variant (9).
Genome position (GRCh38, 1-based): chrX:71,458,304, G>A. VCF-style: chrX-71458304-G-A. GRCh37 (hg19) VCF-style: chrX-70678154-G-A.
Other names: c.5008G>A, p.Asp1670Asn (NM_001286074.2); c.4939G>A, p.Asp1647Asn (NM_138923.4); short protein forms D1647N, D1668N, D1670N.
Identifiers: ClinVar variation 3710784 (VCV003710784.2).